The following is an entry in ClinVar:

NM_012301.4(MAGI2):c.4177GGC[5] (p.Gly1396_Ser1397insGly)

Gene: MAGI2 (membrane associated guanylate kinase, WW and PDZ domain containing 2; minus strand). Cytogenetic location: 7q21.11.
Variant type: Microsatellite.
Coding change: c.4177GGC[5] on transcript NM_012301.4 (MANE Select); five copies in a row of the 3-base unit GGC starting at c.4177; the reference has four copies in a row; one copy, 3 bases duplicated.
Protein change: p.Gly1396_Ser1397insGly.
Molecular consequence: inframe insertion.
Genome position (GRCh38, 1-based): chr7:78,019,495-78,019,497, GCC duplicated on the plus strand (GGC on the coding strand, the reverse complement: MAGI2 is on the minus strand); duplicating any 3 consecutive bases within chr7:78,019,495-78,019,506 gives the same sequence; the position shown is the placement nearest the transcript's 3' end. VCF-style (leftmost placement, unchanged base first): chr7-78019494-T-TGCC. GRCh37 (hg19) VCF-style: chr7-77648811-T-TGCC.
Other names: c.4186_4188dupGGC (NM_012301.3); c.4135GGC[5], p.Gly1382_Ser1383insGly (NM_001301128.2).
Identifiers: ClinVar variation 1940197 (VCV001940197.6), dbSNP rs797045686, ClinGen allele CA575787861.

ClinVar aggregate classification (germline): Uncertain significance. Review status: criteria provided, multiple submitters, no conflicts (2 of 4 stars). 2 submissions from 2 submitters: Uncertain significance (2). Last evaluated 2025-07-21.

Conditions:
MAGI2-related disorder. Also called: MAGI2-related condition.

Submissions (2):

PreventionGenetics, part of Exact Sciences
Classification: Uncertain significance for MAGI2-related condition. Last evaluated: 2025-07-21. Review status: criteria provided, single submitter. Criteria: ACMG Guidelines, 2015. Collection method: clinical testing. Allele origin: germline.
Comment: The MAGI2 c.4186_4188dupGGC variant is predicted to result in an in-frame duplication (p.Gly1396dup). To our knowledge, this variant has not been reported in the literature. This variant is reported in 0.0078% of alleles in individuals of European (Non-Finnish) descent in gnomAD. At this time, the clinical significance of this variant is uncertain due to the absence of conclusive functional and genetic evidence.

Labcorp Genetics (formerly Invitae), Labcorp
Classification: Uncertain significance. Last evaluated: 2022-03-23. Review status: criteria provided, single submitter. Criteria: Invitae Variant Classification Sherloc (09022015). Collection method: clinical testing. Allele origin: germline.
Comment: In summary, the available evidence is currently insufficient to determine the role of this variant in disease. Therefore, it has been classified as a Variant of Uncertain Significance. This variant has not been reported in the literature in individuals affected with MAGI2-related conditions. This variant is present in population databases (no rsID available, gnomAD 0.008%). This variant, c.4186_4188dup, results in the insertion of 1 amino acid(s) of the MAGI2 protein (p.Gly1396dup), but otherwise preserves the integrity of the reading frame.